The following is an entry in ClinVar:

ClinVar aggregate classification (germline): Uncertain significance (1 of 4 stars; one submission).

Conditions:
Intellectual developmental disorder, autosomal dominant 43. Also called: Intellectual disability, autosomal dominant 43. Identifiers: MedGen C4707429, MONDO:0014858, OMIM 616977.

Submission:

Victorian Clinical Genetics Services, Murdoch Childrens Research Institute
Classification: Uncertain significance for Intellectual developmental disorder, autosomal dominant 43. Last evaluated: 2021-05-06. Review status: criteria provided, single submitter. Criteria: ACMG Guidelines, 2015. Collection method: clinical testing. Allele origin: germline. Inheritance: Autosomal dominant inheritance.
Comment: Based on the classification scheme VCGS_Germline_v1.3.4, this variant is classified as VUS-3B. Following criteria are met: 0102 - Loss of function is a known mechanism of disease in this gene and is associated with HIVEP2-related intellectual disability (MIM#616977). (I) 0107 - This gene is associated with autosomal dominant disease. (I) 0200 - Variant is predicted to result in a missense amino acid change from proline to threonine. (I) 0251 - This variant is heterozygous. (I) 0301 - Variant is absent from gnomAD (both v2 and v3). (SP) 0309 - Two alternative amino acid changes at the same position have each been observed in gnomAD (v2) (1 heterozygote, 0 homozygotes). (I) 0502 - Missense variant with conflicting in silico predictions and uninformative conservation. (I) 0604 - Variant is not located in an established domain, motif, hotspot or informative constraint region. (I) 0705 - No comparable missense variants have previous evidence for pathogenicity. (I) 0807 - This variant has no previous evidence of pathogenicity. (I) 0905 - No published segregation evidence has been identified for this variant. (I) 1007 - No published functional evidence has been identified for this variant. (I) 1208 - Inheritance information for this variant is not currently available in this individual. (I) Legend: (SP) - Supporting pathogenic, (I) - Information, (SB) - Supporting benign

NM_006734.4(HIVEP2):c.4578_4579delinsCA (p.Pro1527Thr)

Gene: HIVEP2 (HIVEP zinc finger 2; minus strand). Cytogenetic location: 6q24.2.
Variant type: Indel.
Coding change: c.4578_4579delinsCA on transcript NM_006734.4 (MANE Select); coding-DNA positions 4578 to 4579, TC replaced by CA.
Protein change: p.Pro1527Thr; replaces proline 1527 with threonine.
Molecular consequence: missense variant.
Genome position (GRCh38, 1-based): chr6:142,770,160-142,770,161, GA replaced by TG on the plus strand (TC replaced by CA on the coding strand, the reverse complement: HIVEP2 is on the minus strand). VCF-style: chr6-142770160-GA-TG. GRCh37 (hg19) VCF-style: chr6-143091297-GA-TG.
Other names: short protein forms P1527T.
Identifiers: ClinVar variation 1699395 (VCV001699395.3), dbSNP rs2114645755, ClinGen allele CA1139771240.
Genomic context (GRCh38, chr6:142,770,160, plus strand): 5'-AACCGGAAAGCATCTCCTTGCTGGGCAGGAATGGCTCCCTGGAAGACGGGCTAACAGAAG[GA>TG]TAGTCTTGAGATGAGGAGGGCGACAGCGAGGAGAAGGAAGATGACCCTGACTGCAAGCCA-3'
Protein context (NP_006725.3, residues 1517-1537): SLSPSSSQDY[Pro1527Thr]SVSPSSREPF